The following is an entry in ClinVar:

ClinVar aggregate classification (germline): Uncertain significance (1 of 4 stars; one submission).

Submission:

GeneDx
Classification: Uncertain significance. Last evaluated: 2023-04-05. Review status: criteria provided, single submitter. Criteria: GeneDx Variant Classification Process June 2021. Collection method: clinical testing. Allele origin: germline. Affected: yes.
Comment: Not observed at significant frequency in large population cohorts (gnomAD); In silico analysis supports that this missense variant does not alter protein structure/function; Has not been previously published as pathogenic or benign to our knowledge

NM_000435.3(NOTCH3):c.407T>G (p.Val136Gly)

Gene: NOTCH3 (notch receptor 3; minus strand). Cytogenetic location: 19p13.12.
Variant type: single nucleotide variant.
Coding change: c.407T>G on transcript NM_000435.3 (MANE Select); coding-DNA position 407, T replaced by G.
Protein change: p.Val136Gly; replaces valine 136 with glycine.
Molecular consequence: missense variant.
Genome position (GRCh38, 1-based): chr19:15,192,232, A>C on the plus strand (T>G on the coding strand, the complement: NOTCH3 is on the minus strand). VCF-style: chr19-15192232-A-C. GRCh37 (hg19) VCF-style: chr19-15303043-A-C.
Other names: short protein forms V136G.
Identifiers: ClinVar variation 3342963 (VCV003342963.1).